The following is an entry in ClinVar:

NM_000038.6(APC):c.2288A>T (p.Glu763Val)

Gene: APC (APC regulator of Wnt signaling pathway; plus strand). Cytogenetic location: 5q22.2.
Variant type: single nucleotide variant.
Coding change: c.2288A>T on transcript NM_000038.6 (MANE Select); coding-DNA position 2288, A replaced by T.
Protein change: p.Glu763Val; replaces glutamic acid 763 with valine.
Molecular consequence: missense variant. On other transcripts: non-coding transcript variant (2).
Genome position (GRCh38, 1-based): chr5:112,837,882, A>T. VCF-style: chr5-112837882-A-T. GRCh37 (hg19) VCF-style: chr5-112173579-A-T.
Other names: c.2288A>T, p.Glu763Val (NM_001127510.3, NM_001354895.2, NM_001407450.1); c.2234A>T, p.Glu745Val (NM_001127511.3); c.2342A>T, p.Glu781Val (NM_001354896.2, NM_001407447.1, NM_001407448.1 and 1 more transcripts); c.2318A>T, p.Glu773Val (NM_001354897.2); c.2213A>T, p.Glu738Val (NM_001354898.2); c.2204A>T, p.Glu735Val (NM_001354899.2); c.2165A>T, p.Glu722Val (NM_001354900.2); c.2111A>T, p.Glu704Val (NM_001354901.2, NM_001407453.1); and 11 more; short protein forms E672V, E722V, E745V, E753V, E763V, E781V, E662V, E704V.
Identifiers: ClinVar variation 3927982 (VCV003927982.1).
Genomic context (GRCh38, chr5:112,837,882, plus strand): 5'-TGTCTCCTGGCTCAAGCTTGCCATCTCTTCATGTTAGGAAACAAAAAGCCCTAGAAGCAG[A>T]ATTAGATGCTCAGCACTTATCAGAAACTTTTGACAATATAGACAATTTAAGTCCCAAGGC-3'
Protein context (NP_000029.2, residues 753-773): HVRKQKALEA[Glu763Val]LDAQHLSETF

ClinVar aggregate classification (germline): Uncertain significance (1 of 4 stars; one submission).

Conditions:
Hereditary cancer-predisposing syndrome. Also called: Hereditary Cancer Syndrome; Hereditary neoplastic syndrome; Neoplastic Syndromes, Hereditary; Tumor predisposition. Identifiers: Orphanet 140162, MedGen C0027672, MeSH D009386, MONDO:0015356.

Submission:

Ambry Genetics
Classification: Uncertain significance for Hereditary cancer-predisposing syndrome. Last evaluated: 2025-03-17. Review status: criteria provided, single submitter. Criteria: Ambry Variant Classification Scheme 2023. Collection method: clinical testing. Allele origin: germline.
Comment: The p.E763V variant (also known as c.2288A>T), located in coding exon 15 of the APC gene, results from an A to T substitution at nucleotide position 2288. The glutamic acid at codon 763 is replaced by valine, an amino acid with dissimilar properties. This amino acid position is conserved. In addition, in silico predictors for this gene do not accurately predict pathogenicity. Based on the available evidence, the clinical significance of this variant remains unclear.